The following is an entry in ClinVar:

NM_201384.3(PLEC):c.3378G>A (p.Glu1126=)

Gene: PLEC (plectin; minus strand). Cytogenetic location: 8q24.3.
Variant type: single nucleotide variant.
Coding change: c.3378G>A on transcript NM_201384.3 (MANE Select); coding-DNA position 3378, G replaced by A.
Protein change: p.Glu1126=; no amino-acid change (glutamic acid 1126 retained).
Molecular consequence: synonymous variant.
Genome position (GRCh38, 1-based): chr8:143,927,875, C>T on the plus strand (G>A on the coding strand, the complement: PLEC is on the minus strand). VCF-style: chr8-143927875-C-T. GRCh37 (hg19) VCF-style: chr8-145002043-C-T.
Other names: p.Glu1112=; c.3459G>A, p.Glu1153= (NM_000445.5); c.3336G>A, p.Glu1112= (NM_201378.4); c.3312G>A, p.Glu1104= (NM_201379.3); c.3789G>A, p.Glu1263= (NM_201380.4); c.3282G>A, p.Glu1094= (NM_201381.3); c.3378G>A, p.Glu1126= (NM_201382.4); c.3390G>A, p.Glu1130= (NM_201383.3).
Identifiers: ClinVar variation 93043 (VCV000093043.24), dbSNP rs11991764, ClinGen allele CA146326.
Genomic context (GRCh38, chr8:143,927,875, plus strand): 5'-CCCCCACCCCGCCATGAAGCCCAAGCCTCGAAACGATACCTTCAGAGAGGCCTTGGTGGC[C>T]TCGAGCTCCGGGAGGGTGGCCGGCACGGCCTGGGCCTCCTTGAGCTGCTCCTCGTGGGCC-3'
Protein context (NP_958786.1, residues 1116-1136): QAVPATLPEL[Glu1126=]ATKASLKKLR

ClinVar aggregate classification (germline): Benign. Review status: criteria provided, multiple submitters, no conflicts (2 of 4 stars). 7 submissions from 7 submitters: Benign (6). 1 of the submissions does not count toward it. Last evaluated 2026-02-02.

Conditions:
Epidermolysis bullosa simplex, Ogna type (EBS5A). Also called: Pidermolysis bullosa simplex 5A, Ogna type; EPIDERMOLYSIS BULLOSA SIMPLEX 5A, OGNA TYPE. Identifiers: Orphanet 79401, MedGen C0432317, MONDO:0007555, OMIM 131950.
Autosomal recessive limb-girdle muscular dystrophy type 2Q (LGMDR17). Also called: MUSCULAR DYSTROPHY, LIMB-GIRDLE, AUTOSOMAL RECESSIVE 17. Identifiers: Orphanet 254361, MedGen C3150989, MONDO:0013390, OMIM 613723.
Epidermolysis bullosa simplex 5C, with pyloric atresia (EBS5C). Also called: PLEC-Related Epidermolysis Bullosa with Pyloric Atresia; Epidermolysis bullosa simplex with pyloric atresia; PLEC1-Related Epidermolysis Bullosa with Pyloric Atresia. Identifiers: Orphanet 158684, MedGen C2677349, MONDO:0012807, OMIM 612138.
Epidermolysis bullosa simplex with nail dystrophy (EBS5D). Identifiers: MedGen C4225309, MONDO:0014661, OMIM 616487.
Epidermolysis bullosa simplex 5B, with muscular dystrophy (EBS5B). Also called: EPIDERMOLYSIS BULLOSA SIMPLEX AND LIMB-GIRDLE MUSCULAR DYSTROPHY; Epidermolysis bullosa simplex with muscular dystrophy. Identifiers: Orphanet 257, MedGen C2931072, MONDO:0009181, OMIM 226670.

Allele frequency attached by ClinVar (database versions not stated): gnomAD exomes 0.00945 and 0.01701; ExAC 0.02973; ESP Exome Variant Server 0.06503; 1000 Genomes Project 0.06689; gnomAD 0.06830 and 0.07344; 1000 Genomes Project 30x 0.07074; TOPMed 0.07683.
gnomAD v4.1: 24,333 of 1,589,934 alleles (1.5%); highest among the groups gnomAD compares: African/African-American, 23%; 2,128 homozygotes.

Submissions (7):

Labcorp Genetics (formerly Invitae), Labcorp
Classification: Benign for Autosomal recessive limb-girdle muscular dystrophy type 2Q; Epidermolysis bullosa simplex, Ogna type; Epidermolysis bullosa simplex with nail dystrophy; Epidermolysis bullosa simplex 5C, with pyloric atresia; Epidermolysis bullosa simplex 5B, with muscular dystrophy. Last evaluated: 2026-02-02. Review status: criteria provided, single submitter. Criteria: Invitae Variant Classification Sherloc (09022015). Collection method: clinical testing. Allele origin: germline.

Mayo Clinic Laboratories, Mayo Clinic
Classification: Benign. Last evaluated: 2018-07-12. Review status: criteria provided, single submitter. Criteria: ACMG Guidelines, 2015. Collection method: clinical testing. Allele origin: germline. Observed: 55 variant alleles.

GeneDx
Classification: Benign. Last evaluated: 2016-05-24. Review status: criteria provided, single submitter. Criteria: GeneDx Variant Classification (06012015). Collection method: clinical testing. Allele origin: germline. Affected: yes.
Comment: This variant is considered likely benign or benign based on one or more of the following criteria: it is a conservative change, it occurs at a poorly conserved position in the protein, it is predicted to be benign by multiple in silico algorithms, and/or has population frequency not consistent with disease.

Laboratory for Molecular Medicine, Mass General Brigham Personalized Medicine
Classification: Benign. Last evaluated: 2015-01-13. Review status: criteria provided, single submitter. Criteria: LMM Criteria. Collection method: clinical testing. Allele origin: germline. Observed: 2 variant alleles.
Comment: p.Glu1263Glu in exon 26 of PLEC: This variant is not expected to have clinical s ignificance because it does not alter an amino acid residue and is not located w ithin the splice consensus sequence. It has been identified in 19.6% (745/3806) of African American chromosomes from a broad population by the NHLBI Exome Seque ncing Project (dbSNP rs11991764).

Eurofins Ntd Llc (ga)
Classification: Benign. Last evaluated: 2013-10-04. Review status: criteria provided, single submitter. Criteria: EGL Classification Definitions 2015. Collection method: clinical testing. Allele origin: germline. Observed: 1 variant allele, 1 heterozygote.

Breakthrough Genomics
Classification: Benign. Review status: criteria provided, single submitter. Criteria: ACMG Guidelines, 2015. Collection method: not provided. Allele origin: germline. Inheritance: Autosomal recessive inheritance. Affected: yes.

Genetic Services Laboratory, University of Chicago
Classification: Likely benign for AllHighlyPenetrant. Review status: no assertion criteria provided. Collection method: clinical testing. Allele origin: germline. Inheritance: Autosomal recessive inheritance. Not counted in ClinVar's aggregate classification.
Comment: Likely benign based on allele frequency in 1000 Genomes Project or ESP global frequency and its presence in a patient with a rare or unrelated disease phenotype. NOT Sanger confirmed.